The following is an entry in ClinVar:

NM_032217.5(ANKRD17):c.1525C>T (p.Arg509Ter)

Gene: ANKRD17 (ankyrin repeat domain 17; minus strand). Cytogenetic location: 4q13.3.
Variant type: single nucleotide variant.
Coding change: c.1525C>T on transcript NM_032217.5 (MANE Select); coding-DNA position 1525, C replaced by T.
Protein change: p.Arg509Ter; replaces arginine 509 with a stop codon.
Molecular consequence: nonsense.
Genome position (GRCh38, 1-based): chr4:73,148,855, G>A on the plus strand (C>T on the coding strand, the complement: ANKRD17 is on the minus strand). VCF-style: chr4-73148855-G-A. GRCh37 (hg19) VCF-style: chr4-74014572-G-A.
Other names: c.1186C>T, p.Arg396Ter (NM_001286771.3); c.1525C>T, p.Arg509Ter (NM_015574.2, NM_198889.3); short protein forms R396*, R509*.
Identifiers: ClinVar variation 4886502 (VCV004886502.2).
Genomic context (GRCh38, chr4:73,148,855, plus strand): 5'-CTTGATAGATACGGTTACCTTGACCAAGAAGTAATGCCACCATTTCTTCATGTCCTTCTC[G>A]AGCTGCTTCCATCAATGGTGTATAACCTTCATCATTGACCTCTTCCAGGCTAGCTCCTCT-3'

ClinVar aggregate classification (germline): Likely pathogenic (1 of 4 stars; one submission).

Submission:

Dasa
Classification: Likely pathogenic. Last evaluated: 2025-11-14. Review status: criteria provided, single submitter. Criteria: DASA Assertion Criteria. Collection method: clinical testing. Allele origin: germline.
Comment: NM_032217.5(ANKRD17):c.1525C>T (p.Arg509*) is a nonsense variant in ANKRD17 predicted to introduce a premature termination codon and is predicted to result in an absent or altered protein product. Loss of function is an established disease mechanism for ANKRD17 (PMID: 33909992). Also, this variant is absent from population databases. Based on the currently available evidence, this variant is classified as likely pathogenic.

Literature cited by the submitters: PubMed 36307859; PubMed 36326072; PubMed 33909992.